The following is an entry in ClinVar:

ClinVar aggregate classification (germline): Uncertain significance (1 of 4 stars; one submission).

Submission:

GeneDx
Classification: Uncertain significance. Last evaluated: 2022-11-15. Review status: criteria provided, single submitter. Criteria: GeneDx Variant Classification Process June 2021. Collection method: clinical testing. Allele origin: germline. Affected: yes.
Comment: Not observed at significant frequency in large population cohorts (gnomAD); Frameshift variant predicted to result in protein truncation as the last 111 amino acids are replaced with 9 different amino acids, although loss-of-function variants have not been reported downstream of this position in the protein; Has not been previously published as pathogenic or benign to our knowledge

NM_152424.4(AMER1):c.3074_3075del (p.His1025fs)

Gene: AMER1 (APC membrane recruitment protein 1; minus strand). Cytogenetic location: Xq11.2.
Variant type: Microsatellite.
Coding change: c.3074_3075del on transcript NM_152424.4 (MANE Select); coding-DNA positions 3074 to 3075, 2 bases deleted (AC; older notation c.3074_3075delAC).
Protein change: p.His1025fs; shifts the reading frame from histidine 1025.
Molecular consequence: frameshift variant.
Genome position (GRCh38, 1-based): chrX:64,190,212-64,190,213, GT deleted on the plus strand (AC on the coding strand, the reverse complement: AMER1 is on the minus strand); deleting any 2 consecutive bases within chrX:64,190,212-64,190,216 gives the same sequence; the c. name uses the placement nearest the transcript's 3' end. VCF-style (leftmost placement, unchanged base first): chrX-64190211-GGT-G. GRCh37 (hg19) VCF-style: chrX-63410091-GGT-G.
Other names: short protein forms H1025fs.
Identifiers: ClinVar variation 2501886 (VCV002501886.1), dbSNP rs2521200563, ClinGen allele CA2580612335.